The following is an entry in ClinVar:

ClinVar aggregate classification (germline): Uncertain significance. Review status: criteria provided, multiple submitters, no conflicts (2 of 4 stars). 4 submissions from 4 submitters: Uncertain significance (4). Last evaluated 2025-10-30.

Conditions:
Inborn genetic diseases. Identifiers: MedGen C0950123, MeSH D030342.
Pyogenic arthritis-pyoderma gangrenosum-acne syndrome (PAPA). Also called: PAPA SYNDROME; FAMILIAL RECURRENT ARTHRITIS. Identifiers: Orphanet 69126, MedGen C1858361, MONDO:0011462, OMIM 604416.

Allele frequency attached by ClinVar (database versions not stated): ExAC 0.00001; gnomAD exomes 0.00003; TOPMed 0.00009; gnomAD 0.00013 and 0.00014.
gnomAD v4.1: 35 of 1,611,928 alleles (0.0022%); highest among the groups gnomAD compares: Admixed American, 0.037%; no homozygotes.

Submissions (4):

Ambry Genetics
Classification: Uncertain significance for Inborn genetic diseases. Last evaluated: 2025-10-30. Review status: criteria provided, single submitter. Criteria: Ambry Variant Classification Scheme 2023. Collection method: clinical testing. Allele origin: germline.

Labcorp Genetics (formerly Invitae), Labcorp
Classification: Uncertain significance for Pyogenic arthritis-pyoderma gangrenosum-acne syndrome. Last evaluated: 2024-11-05. Review status: criteria provided, single submitter. Criteria: Invitae Variant Classification Sherloc (09022015). Collection method: clinical testing. Allele origin: germline.
Comment: This sequence change replaces proline, which is neutral and non-polar, with alanine, which is neutral and non-polar, at codon 375 of the PSTPIP1 protein (p.Pro375Ala). This variant is present in population databases (rs781781950, gnomAD 0.01%). This variant has not been reported in the literature in individuals affected with PSTPIP1-related conditions. ClinVar contains an entry for this variant (Variation ID: 1431930). Invitae Evidence Modeling of protein sequence and biophysical properties (such as structural, functional, and spatial information, amino acid conservation, physicochemical variation, residue mobility, and thermodynamic stability) indicates that this missense variant is not expected to disrupt PSTPIP1 protein function with a negative predictive value of 80%. In summary, the available evidence is currently insufficient to determine the role of this variant in disease. Therefore, it has been classified as a Variant of Uncertain Significance.

Institute for Clinical Genetics, University Hospital TU Dresden, University Hospital TU Dresden
Classification: Uncertain significance. Last evaluated: 2022-07-21. Review status: criteria provided, single submitter. Criteria: ACMG Guidelines, 2015. Collection method: clinical testing. Allele origin: germline.

Revvity Omics, Revvity
Classification: Uncertain significance for Pyogenic arthritis-pyoderma gangrenosum-acne syndrome. Last evaluated: 2022-01-28. Review status: criteria provided, single submitter. Criteria: ACMG Guidelines, 2015. Collection method: clinical testing. Allele origin: germline.

NM_003978.5(PSTPIP1):c.1123C>G (p.Pro375Ala)

Gene: PSTPIP1 (proline-serine-threonine phosphatase interacting protein 1; plus strand). Cytogenetic location: 15q24.3.
Variant type: single nucleotide variant.
Coding change: c.1123C>G on transcript NM_003978.5 (MANE Select); coding-DNA position 1123, C replaced by G.
Protein change: p.Pro375Ala; replaces proline 375 with alanine.
Molecular consequence: missense variant. On other transcripts: non-coding transcript variant (1).
Genome position (GRCh38, 1-based): chr15:77,037,048, C>G. VCF-style: chr15-77037048-C-G. GRCh37 (hg19) VCF-style: chr15-77329389-C-G.
Other names: c.1123C>G (NM_003978.3); c.1066C>G, p.Pro356Ala (NM_001321135.2); c.1096C>G, p.Pro366Ala (NM_001321136.2); c.1318C>G, p.Pro440Ala (NM_001321137.1); short protein forms P366A, P440A, P356A, P375A.
Identifiers: ClinVar variation 1431930 (VCV001431930.10), dbSNP rs781781950, ClinGen allele CA7676200.